The following is an entry in ClinVar:

ClinVar aggregate classification (germline): Uncertain significance. Review status: criteria provided, multiple submitters, no conflicts (2 of 4 stars). 3 submissions from 3 submitters: Uncertain significance (3). Last evaluated 2025-11-18.

Conditions:
RASopathy. Also called: Noonan spectrum disorder; rasopathies. Identifiers: Orphanet 536391, MedGen C5555857, MONDO:0021060.
Cardiovascular phenotype. Identifiers: MedGen CN230736.

Allele frequency attached by ClinVar (database versions not stated): gnomAD exomes below 0.00001 and 0.00001; TOPMed below 0.00001; gnomAD 0.00001.
gnomAD v4.1: 12 of 1,612,444 alleles (0.00074%); highest among the groups gnomAD compares: African/African-American, 0.004%; no homozygotes.

Submissions (3):

Labcorp Genetics (formerly Invitae), Labcorp
Classification: Uncertain significance for RASopathy. Last evaluated: 2025-11-18. Review status: criteria provided, single submitter. Criteria: Invitae Variant Classification Sherloc (09022015). Collection method: clinical testing. Allele origin: germline.
Comment: This sequence change replaces isoleucine, which is neutral and non-polar, with threonine, which is neutral and polar, at codon 257 of the SHOC2 protein (p.Ile257Thr). This variant is present in population databases (no rsID available, gnomAD 0.01%). This variant has not been reported in the literature in individuals affected with SHOC2-related conditions. ClinVar contains an entry for this variant (Variation ID: 561901). Invitae Evidence Modeling of protein sequence and biophysical properties (such as structural, functional, and spatial information, amino acid conservation, physicochemical variation, residue mobility, and thermodynamic stability) has been performed for this missense variant. However, the output from this modeling did not meet the statistical confidence thresholds required to predict the impact of this variant on SHOC2 protein function. In summary, the available evidence is currently insufficient to determine the role of this variant in disease. Therefore, it has been classified as a Variant of Uncertain Significance.

Ambry Genetics
Classification: Uncertain significance for Cardiovascular phenotype. Last evaluated: 2024-11-10. Review status: criteria provided, single submitter. Criteria: Ambry Variant Classification Scheme 2023. Collection method: clinical testing. Allele origin: germline.
Comment: The p.I257T variant (also known as c.770T>C), located in coding exon 2 of the SHOC2 gene, results from a T to C substitution at nucleotide position 770. The isoleucine at codon 257 is replaced by threonine, an amino acid with similar properties. This amino acid position is conserved. In addition, this alteration is predicted to be deleterious by in silico analysis. Since supporting evidence is limited at this time, the clinical significance of this alteration remains unclear.

GeneDx
Classification: Uncertain significance. Last evaluated: 2018-06-12. Review status: criteria provided, single submitter. Criteria: GeneDx Variant Classification (06012015). Collection method: clinical testing. Allele origin: germline. Affected: yes.
Comment: The I257T variant has not been published as a pathogenic variant, nor has it been reported as a benign variant to our knowledge. The variant is observed in 1/8696 (0.0115%) alleles from individuals of African background in the ExAC dataset (Lek et al., 2016). I257T is a non-conservative amino acid substitution, which is likely to impact secondary protein structure as these residues differ in polarity, charge, size and/or other properties. In-silico analyses, including protein predictors and evolutionary conservation, support a deleterious effect. In summary, based on the currently available information, it is unclear whether this variant is pathogenic or a rare benign variant.

NM_007373.4(SHOC2):c.770T>C (p.Ile257Thr)

Gene: SHOC2 (SHOC2 leucine rich repeat scaffold protein; plus strand). Cytogenetic location: 10q25.2.
Variant type: single nucleotide variant.
Coding change: c.770T>C on transcript NM_007373.4 (MANE Select); coding-DNA position 770, T replaced by C.
Protein change: p.Ile257Thr; replaces isoleucine 257 with threonine.
Molecular consequence: missense variant. On other transcripts: non-coding transcript variant (1), intron variant (1).
Genome position (GRCh38, 1-based): chr10:110,985,694, T>C. VCF-style: chr10-110985694-T-C. GRCh37 (hg19) VCF-style: chr10-112745452-T-C.
Other names: c.770T>C, p.Ile257Thr (NM_001324336.2, NM_001324337.2); c.704-14721T>C (NM_001269039.3); short protein forms I257T.
Identifiers: ClinVar variation 561901 (VCV000561901.8), dbSNP rs1300537933, ClinGen allele CA378391445.
Genomic context (GRCh38, chr10:110,985,694, plus strand): 5'-TATGTAACCTCATTACGCTGGATGTAGCTCACAATCAACTTGAACACCTTCCAAAGGAGA[T>C]TGGAAACTGTACACAGATAACCAACCTTGACTTGCAGCACAATGAACTGCTAGACCTCCC-3'
Protein context (NP_031399.2, residues 247-267): HNQLEHLPKE[Ile257Thr]GNCTQITNLD